The following is an entry in ClinVar:

ClinVar aggregate classification (germline): Uncertain significance (1 of 4 stars; one submission).

Allele frequency attached by ClinVar (database versions not stated): TOPMed below 0.00001; gnomAD 0.00001; ExAC 0.00002; gnomAD exomes 0.00002.
gnomAD v4.1: 27 of 1,614,030 alleles (0.0017%); highest among the groups gnomAD compares: Non-Finnish European, 0.0023%; no homozygotes.

Submission:

Labcorp Genetics (formerly Invitae), Labcorp
Classification: Uncertain significance. Last evaluated: 2021-07-26. Review status: criteria provided, single submitter. Criteria: Invitae Variant Classification Sherloc (09022015). Collection method: clinical testing. Allele origin: germline.
Comment: In summary, the available evidence is currently insufficient to determine the role of this variant in disease. Therefore, it has been classified as a Variant of Uncertain Significance. Advanced modeling of protein sequence and biophysical properties (such as structural, functional, and spatial information, amino acid conservation, physicochemical variation, residue mobility, and thermodynamic stability) performed at Invitae indicates that this missense variant is not expected to disrupt CSF1R protein function. This variant has not been reported in the literature in individuals affected with CSF1R-related conditions. This variant is present in population databases (rs777789969, ExAC 0.003%). This sequence change replaces proline with leucine at codon 53 of the CSF1R protein (p.Pro53Leu). The proline residue is highly conserved and there is a moderate physicochemical difference between proline and leucine.

NM_001288705.3(CSF1R):c.158C>T (p.Pro53Leu)

Gene: CSF1R (colony stimulating factor 1 receptor; minus strand). Cytogenetic location: 5q32.
Variant type: single nucleotide variant.
Coding change: c.158C>T on transcript NM_001288705.3 (MANE Select); coding-DNA position 158, C replaced by T.
Protein change: p.Pro53Leu; replaces proline 53 with leucine.
Molecular consequence: missense variant. On other transcripts: 5 prime UTR variant (1), non-coding transcript variant (2).
Genome position (GRCh38, 1-based): chr5:150,080,916, G>A on the plus strand (C>T on the coding strand, the complement: CSF1R is on the minus strand). VCF-style: chr5-150080916-G-A. GRCh37 (hg19) VCF-style: chr5-149460479-G-A.
Other names: c.158C>T, p.Pro53Leu (NM_001349736.2, NM_001375320.1, NM_005211.4); c.-287C>T (NM_001375321.1); short protein forms P53L.
Identifiers: ClinVar variation 1404638 (VCV001404638.8), dbSNP rs777789969, ClinGen allele CA3507269.